The following is an entry in ClinVar:

NM_001159699.2(FHL1):c.529C>T (p.His177Tyr)

Gene: FHL1 (four and a half LIM domains 1; plus strand). Cytogenetic location: Xq26.3.
Variant type: single nucleotide variant.
Coding change: c.529C>T on transcript NM_001159699.2 (MANE Select); coding-DNA position 529, C replaced by T.
Protein change: p.His177Tyr; replaces histidine 177 with tyrosine.
Molecular consequence: missense variant. On other transcripts: non-coding transcript variant (1).
Genome position (GRCh38, 1-based): chrX:136,207,941, C>T. VCF-style: chrX-136207941-C-T. GRCh37 (hg19) VCF-style: chrX-135290100-C-T.
Other names: c.481C>T (NM_001449.4); c.481C>T, p.His161Tyr (NM_001159700.2, NM_001159702.3, NM_001159703.2 and 9 more transcripts); c.568C>T, p.His190Tyr (NM_001159701.2); c.529C>T, p.His177Tyr (NM_001330659.2); short protein forms H161Y, H177Y, H190Y.
Identifiers: ClinVar variation 598479 (VCV000598479.7), dbSNP rs1569530490, ClinGen allele CA414608629.
Genomic context (GRCh38, chrX:136,207,941, plus strand): 5'-TTCTTCCCTAAAGGGGAGGACTTCTACTGCGTGACTTGCCATGAGACCAAGTTTGCCAAG[C>T]ATTGCGTGAAGTGCAACAAGGTATGCTTTCAAGGGAGTTCTGCATTGACCGTTGTTTCTA-3'
Protein context (NP_001153171.1, residues 167-187): VTCHETKFAK[His177Tyr]CVKCNKAITS

ClinVar aggregate classification (germline): Uncertain significance. Review status: criteria provided, multiple submitters, no conflicts (2 of 4 stars). 3 submissions from 3 submitters: Uncertain significance (3). Last evaluated 2025-12-14.

Conditions:
Cardiovascular phenotype. Identifiers: MedGen CN230736.
X-linked myopathy with postural muscle atrophy. Also called: FHL1-Related Emery-Dreifuss Muscular Dystrophy, X-Linked. Identifiers: Orphanet 178461, MedGen C2678055, MONDO:0010401, OMIM 300696.

Submissions (3):

Labcorp Genetics (formerly Invitae), Labcorp
Classification: Uncertain significance for X-linked myopathy with postural muscle atrophy. Last evaluated: 2025-12-14. Review status: criteria provided, single submitter. Criteria: Invitae Variant Classification Sherloc (09022015). Collection method: clinical testing. Allele origin: germline.
Comment: This sequence change replaces histidine, which is basic and polar, with tyrosine, which is neutral and polar, at codon 161 of the FHL1 protein (p.His161Tyr). This variant is not present in population databases (gnomAD no frequency). This variant has not been reported in the literature in individuals affected with FHL1-related conditions. ClinVar contains an entry for this variant (Variation ID: 598479). An algorithm developed to predict the effect of missense changes on protein structure and function (PolyPhen-2) suggests that this variant is likely to be tolerated. In summary, the available evidence is currently insufficient to determine the role of this variant in disease. Therefore, it has been classified as a Variant of Uncertain Significance.

Ambry Genetics
Classification: Uncertain significance for Cardiovascular phenotype. Last evaluated: 2024-12-28. Review status: criteria provided, single submitter. Criteria: Ambry Variant Classification Scheme 2023. Collection method: clinical testing. Allele origin: germline.
Comment: The p.H161Y variant (also known as c.481C>T), located in coding exon 3 of the FHL1 gene, results from a C to T substitution at nucleotide position 481. The histidine at codon 161 is replaced by tyrosine, an amino acid with similar properties. This amino acid position is conserved. In addition, this alteration is predicted to be tolerated by in silico analysis. Based on the available evidence, the clinical significance of this variant remains unclear.

Eurofins Ntd Llc (ga)
Classification: Uncertain significance. Last evaluated: 2018-08-23. Review status: criteria provided, single submitter. Criteria: EGL ClinVar v180209 classification definitions. Collection method: clinical testing. Allele origin: germline. Observed: 1 variant allele, 1 hemizygote.